The following is an entry in ClinVar:

NM_001100913.3(PACS2):c.1206G>A (p.Thr402=)

Gene: PACS2 (phosphofurin acidic cluster sorting protein 2; plus strand). Cytogenetic location: 14q32.33.
Variant type: single nucleotide variant.
Coding change: c.1206G>A on transcript NM_001100913.3 (MANE Select); coding-DNA position 1206, G replaced by A.
Protein change: p.Thr402=; no amino-acid change (threonine 402 retained).
Molecular consequence: synonymous variant.
Genome position (GRCh38, 1-based): chr14:105,381,037, G>A. VCF-style: chr14-105381037-G-A. GRCh37 (hg19) VCF-style: chr14-105847374-G-A.
Other names: c.981G>A, p.Thr327= (NM_001243127.3); c.1206G>A, p.Thr402= (NM_015197.4).
Identifiers: ClinVar variation 1436619 (VCV001436619.8), dbSNP rs781998022, ClinGen allele CA7388749.

ClinVar aggregate classification (germline): Uncertain significance (1 of 4 stars; one submission).

Allele frequency attached by ClinVar (database versions not stated): ExAC 0.00001; gnomAD 0.00001; gnomAD exomes 0.00001; TOPMed 0.00003.
gnomAD v4.1: 12 of 1,612,464 alleles (0.00074%); highest among the groups gnomAD compares: African/African-American, 0.0027%; no homozygotes.

Submission:

Labcorp Genetics (formerly Invitae), Labcorp
Classification: Uncertain significance. Last evaluated: 2021-04-11. Review status: criteria provided, single submitter. Criteria: Invitae Variant Classification Sherloc (09022015). Collection method: clinical testing. Allele origin: germline.
Comment: This sequence change affects codon 402 of the PACS2 mRNA. It is a 'silent' change, meaning that it does not change the encoded amino acid sequence of the PACS2 protein. In summary, the available evidence is currently insufficient to determine the role of this variant in disease. Therefore, it has been classified as a Variant of Uncertain Significance. Algorithms developed to predict the effect of sequence changes on RNA splicing suggest that this variant may create or strengthen a splice site, but this prediction has not been confirmed by published transcriptional studies. This variant has not been reported in the literature in individuals with PACS2-related conditions. This variant is present in population databases (rs781998022, ExAC 0.01%).